The following is an entry in ClinVar:

NM_178452.6(DNAAF1):c.287T>C (p.Leu96Pro)

Gene: DNAAF1 (dynein axonemal assembly factor 1; plus strand). Cytogenetic location: 16q24.1.
Variant type: single nucleotide variant.
Coding change: c.287T>C on transcript NM_178452.6 (MANE Select); coding-DNA position 287, T replaced by C.
Protein change: p.Leu96Pro; replaces leucine 96 with proline.
Molecular consequence: missense variant.
Genome position (GRCh38, 1-based): chr16:84,150,277, T>C. VCF-style: chr16-84150277-T-C. GRCh37 (hg19) VCF-style: chr16-84183882-T-C.
Other names: short protein forms L96P.
Identifiers: ClinVar variation 4716704 (VCV004716704.1).

ClinVar aggregate classification (germline): Uncertain significance (1 of 4 stars; one submission).

Conditions:
Primary ciliary dyskinesia. Also called: Ciliary dyskinesia. Identifiers: Orphanet 244, MedGen C0008780, MONDO:0016575, HP:0012265.

Submission:

Labcorp Genetics (formerly Invitae), Labcorp
Classification: Uncertain significance for Primary ciliary dyskinesia. Last evaluated: 2025-04-03. Review status: criteria provided, single submitter. Criteria: Invitae Variant Classification Sherloc (09022015). Collection method: clinical testing. Allele origin: germline.
Comment: This sequence change replaces leucine, which is neutral and non-polar, with proline, which is neutral and non-polar, at codon 96 of the DNAAF1 protein (p.Leu96Pro). This variant is not present in population databases (gnomAD no frequency). This missense change has been observed in individual(s) with clinical features of primary ciliary dyskinesia (internal data). An algorithm developed to predict the effect of missense changes on protein structure and function (PolyPhen-2) suggests that this variant is likely to be disruptive. In summary, the available evidence is currently insufficient to determine the role of this variant in disease. Therefore, it has been classified as a Variant of Uncertain Significance.